The following is an entry in ClinVar:

NM_000179.3(MSH6):c.504A>T (p.Ala168=)

Gene: MSH6 (mutS homolog 6; plus strand). Cytogenetic location: 2p16.3.
Variant type: single nucleotide variant.
Coding change: c.504A>T on transcript NM_000179.3 (MANE Select); coding-DNA position 504, A replaced by T.
Protein change: p.Ala168=; no amino-acid change (alanine 168 retained).
Molecular consequence: synonymous variant. On other transcripts: 5 prime UTR variant (1), intron variant (2).
Genome position (GRCh38, 1-based): chr2:47,795,940, A>T. VCF-style: chr2-47795940-A-T. GRCh37 (hg19) VCF-style: chr2-48023079-A-T.
Other names: c.-399A>T (NM_001281494.2); c.-279-2671A>T (NM_001281493.2); c.238-2671A>T (NM_001281492.2).
Identifiers: ClinVar variation 627873 (VCV000627873.7), dbSNP rs1057520319, ClinGen allele CA425992779.
Genomic context (GRCh38, chr2:47,795,940, plus strand): 5'-ACATTTCTTTCTAGGTTCAAAATCAAAGGAAGCCCAGAAGGGAGGTCATTTTTACAGTGC[A>T]AAGCCTGAAATACTGAGAGCAATGCAACGTGCAGATGAAGCCTTAAATAAAGACAAGATT-3'
Protein context (NP_000170.1, residues 158-178): EAQKGGHFYS[Ala168=]KPEILRAMQR

ClinVar aggregate classification (germline): Conflicting classifications of pathogenicity. Review status: criteria provided, conflicting classifications (1 of 4 stars). 4 submissions from 4 submitters: Uncertain significance (1); Likely benign (3). Last evaluated 2025-10-13.

Conditions:
Hereditary nonpolyposis colorectal neoplasms. Identifiers: MedGen C0009405, MeSH D003123.
Hereditary cancer-predisposing syndrome. Also called: Tumor predisposition; Hereditary Cancer Syndrome; Neoplastic Syndromes, Hereditary; Hereditary neoplastic syndrome. Identifiers: Orphanet 140162, MedGen C0027672, MeSH D009386, MONDO:0015356.

Submissions (4):

Labcorp Genetics (formerly Invitae), Labcorp
Classification: Likely benign for Hereditary nonpolyposis colorectal neoplasms. Last evaluated: 2025-10-13. Review status: criteria provided, single submitter. Criteria: Invitae Variant Classification Sherloc (09022015). Collection method: clinical testing. Allele origin: germline.

Ambry Genetics
Classification: Likely benign for Hereditary cancer-predisposing syndrome. Last evaluated: 2022-11-23. Review status: criteria provided, single submitter. Criteria: Ambry Variant Classification Scheme 2023. Collection method: clinical testing. Allele origin: germline.

GeneDx
Classification: Uncertain significance. Last evaluated: 2020-04-01. Review status: criteria provided, single submitter. Criteria: GeneDx Variant Classification Process June 2021. Collection method: clinical testing. Allele origin: germline. Affected: yes.
Comment: Not observed in large population cohorts (Lek 2016); In silico analysis supports that this variant does not alter splicing; Has not been previously published as pathogenic or benign to our knowledge

Color Diagnostics, LLC DBA Color Health
Classification: Likely benign for Hereditary cancer-predisposing syndrome. Last evaluated: 2018-03-06. Review status: criteria provided, single submitter. Criteria: ACMG Guidelines, 2015. Collection method: clinical testing. Allele origin: germline.